The following is an entry in ClinVar:

NM_002887.4(RARS1):c.1127T>A (p.Val376Glu)

Gene: RARS1 (arginyl-tRNA synthetase 1; plus strand). Cytogenetic location: 5q34.
Variant type: single nucleotide variant.
Coding change: c.1127T>A on transcript NM_002887.4 (MANE Select); coding-DNA position 1127, T replaced by A.
Protein change: p.Val376Glu; replaces valine 376 with glutamic acid.
Molecular consequence: missense variant.
Genome position (GRCh38, 1-based): chr5:168,506,090, T>A. VCF-style: chr5-168506090-T-A. GRCh37 (hg19) VCF-style: chr5-167933095-T-A.
Other names: short protein forms V376E.
Identifiers: ClinVar variation 382395 (VCV000382395.33), dbSNP rs146939849, ClinGen allele CA3549821.

ClinVar aggregate classification (germline): Benign/Likely benign. Review status: criteria provided, multiple submitters, no conflicts (2 of 4 stars). 7 submissions from 7 submitters: Benign (2); Likely benign (4). 1 of the submissions does not count toward it. Last evaluated 2026-01-15.

Conditions:
Leukodystrophy, hypomyelinating, 9. Identifiers: Orphanet 438114, MedGen C4015323, MONDO:0014506, OMIM 616140.
RARS1-related disorder. Also called: RARS1-related condition.

Allele frequency attached by ClinVar (database versions not stated): ESP Exome Variant Server 0.00046; gnomAD exomes 0.00066 and 0.00090; ExAC 0.00083; gnomAD 0.00123 and 0.00127; TOPMed 0.00220; 1000 Genomes Project 0.00280; 1000 Genomes Project 30x 0.00312.
gnomAD v4.1: 1,240 of 1,607,474 alleles (0.077%); highest among the groups gnomAD compares: Middle Eastern, 1.8%; 5 homozygotes.

Submissions (7):

Labcorp Genetics (formerly Invitae), Labcorp
Classification: Benign. Last evaluated: 2026-01-15. Review status: criteria provided, single submitter. Criteria: Invitae Variant Classification Sherloc (09022015). Collection method: clinical testing. Allele origin: germline.

CeGaT Center for Human Genetics Tuebingen
Classification: Likely benign. Last evaluated: 2025-02-01. Review status: criteria provided, single submitter. Criteria: CeGaT Center For Human Genetics Tuebingen Variant Classification Criteria Version 2. Collection method: clinical testing. Allele origin: germline. Affected: yes. Observed: 4 variant alleles.
Comment: RARS1: BS2

Blueprint Genetics
Classification: Likely benign. Last evaluated: 2024-11-25. Review status: criteria provided, single submitter. Criteria: ACMG Guidelines, 2015. Collection method: clinical testing. Allele origin: germline.

Dubai Health Genomic Medicine Center, Dubai Health
Classification: Likely benign for Leukodystrophy, hypomyelinating, 9. Last evaluated: 2020-07-23. Review status: criteria provided, single submitter. Criteria: ACMG Guidelines, 2015. Collection method: clinical testing. Allele origin: germline. Affected: yes.

GeneDx
Classification: Benign. Last evaluated: 2016-02-23. Review status: criteria provided, single submitter. Criteria: GeneDx Variant Classification (06012015). Collection method: clinical testing. Allele origin: germline. Affected: yes.
Comment: This variant is considered likely benign or benign based on one or more of the following criteria: it is a conservative change, it occurs at a poorly conserved position in the protein, it is predicted to be benign by multiple in silico algorithms, and/or has population frequency not consistent with disease.

Breakthrough Genomics
Classification: Likely benign. Review status: criteria provided, single submitter. Criteria: ACMG Guidelines, 2015. Collection method: not provided. Allele origin: germline. Inheritance: Autosomal recessive inheritance. Affected: yes.

PreventionGenetics, part of Exact Sciences
Classification: Benign for RARS1-related condition. Last evaluated: 2020-01-20. Review status: no assertion criteria provided. Collection method: clinical testing. Allele origin: germline. Not counted in ClinVar's aggregate classification.
Comment: This variant is classified as benign based on ACMG/AMP sequence variant interpretation guidelines (Richards et al. 2015 PMID: 25741868, with internal and published modifications).